The following is an entry in ClinVar:

ClinVar aggregate classification (germline): Uncertain significance (1 of 4 stars; one submission).

gnomAD v4.1: 2 of 1,614,016 alleles (0.00012%); highest among the groups gnomAD compares: Middle Eastern, 0.016%; no homozygotes.

Submission:

Labcorp Genetics (formerly Invitae), Labcorp
Classification: Uncertain significance. Last evaluated: 2023-03-14. Review status: criteria provided, single submitter. Criteria: Invitae Variant Classification Sherloc (09022015). Collection method: clinical testing. Allele origin: germline.
Comment: In summary, the available evidence is currently insufficient to determine the role of this variant in disease. Therefore, it has been classified as a Variant of Uncertain Significance. This variant disrupts the p.Thr983 amino acid residue in ABCA4. Other variant(s) that disrupt this residue have been determined to be pathogenic (PMID: 29555955, 29925512, 33301772). This suggests that this residue is clinically significant, and that variants that disrupt this residue are likely to be disease-causing. Advanced modeling of protein sequence and biophysical properties (such as structural, functional, and spatial information, amino acid conservation, physicochemical variation, residue mobility, and thermodynamic stability) has been performed at Invitae for this missense variant, however the output from this modeling did not meet the statistical confidence thresholds required to predict the impact of this variant on ABCA4 protein function. This variant has not been reported in the literature in individuals affected with ABCA4-related conditions. This variant is not present in population databases (gnomAD no frequency). This sequence change replaces threonine, which is neutral and polar, with serine, which is neutral and polar, at codon 983 of the ABCA4 protein (p.Thr983Ser).

Literature cited by the submitters: PubMed 29555955; PubMed 29925512; PubMed 33301772.

NM_000350.3(ABCA4):c.2947A>T (p.Thr983Ser)

Gene: ABCA4 (ATP binding cassette subfamily A member 4; minus strand). Cytogenetic location: 1p22.1.
Variant type: single nucleotide variant.
Coding change: c.2947A>T on transcript NM_000350.3 (MANE Select); coding-DNA position 2947, A replaced by T.
Protein change: p.Thr983Ser; replaces threonine 983 with serine.
Molecular consequence: missense variant.
Genome position (GRCh38, 1-based): chr1:94,044,716, T>A on the plus strand (A>T on the coding strand, the complement: ABCA4 is on the minus strand). VCF-style: chr1-94044716-T-A. GRCh37 (hg19) VCF-style: chr1-94510272-T-A.
Other names: c.2725A>T, p.Thr909Ser (NM_001425324.1); short protein forms T909S, T983S.
Identifiers: ClinVar variation 2845789 (VCV002845789.3), dbSNP rs1368508052, ClinGen allele CA341275223.